The following is an entry in ClinVar:

ClinVar aggregate classification (germline): Uncertain significance (1 of 4 stars; one submission).

Submission:

Labcorp Genetics (formerly Invitae), Labcorp
Classification: Uncertain significance. Last evaluated: 2022-07-06. Review status: criteria provided, single submitter. Criteria: Invitae Variant Classification Sherloc (09022015). Collection method: clinical testing. Allele origin: germline.
Comment: In summary, the available evidence is currently insufficient to determine the role of this variant in disease. Therefore, it has been classified as a Variant of Uncertain Significance. Algorithms developed to predict the effect of missense changes on protein structure and function are either unavailable or do not agree on the potential impact of this missense change (SIFT: "Tolerated"; PolyPhen-2: "Probably Damaging"; Align-GVGD: "Class C0"). This variant has not been reported in the literature in individuals affected with CCDC88A-related conditions. This variant is not present in population databases (gnomAD no frequency). This sequence change replaces glycine, which is neutral and non-polar, with glutamic acid, which is acidic and polar, at codon 1181 of the CCDC88A protein (p.Gly1181Glu).

NM_001365480.1(CCDC88A):c.3545G>A (p.Gly1182Glu)

Gene: CCDC88A (coiled-coil and HOOK domain protein 88A; minus strand). Cytogenetic location: 2p16.1.
Variant type: single nucleotide variant.
Coding change: c.3545G>A on transcript NM_001365480.1 (MANE Select); coding-DNA position 3545, G replaced by A.
Protein change: p.Gly1182Glu; replaces glycine 1182 with glutamic acid.
Molecular consequence: missense variant.
Genome position (GRCh38, 1-based): chr2:55,317,621, C>T on the plus strand (G>A on the coding strand, the complement: CCDC88A is on the minus strand). VCF-style: chr2-55317621-C-T. GRCh37 (hg19) VCF-style: chr2-55544757-C-T.
Other names: c.3542G>A, p.Gly1181Glu (NM_001135597.2, NM_001254943.2); c.3545G>A, p.Gly1182Glu (NM_018084.5); short protein forms G1181E, G1182E.
Identifiers: ClinVar variation 2014304 (VCV002014304.4), dbSNP rs1683144685, ClinGen allele CA346891206.